The following is an entry in ClinVar:

NM_030803.7(ATG16L1):c.1284C>T (p.His428=)

Gene: ATG16L1 (autophagy related 16 like 1; plus strand). Cytogenetic location: 2q37.1.
Variant type: single nucleotide variant.
Coding change: c.1284C>T on transcript NM_030803.7 (MANE Select); coding-DNA position 1284, C replaced by T.
Protein change: p.His428=; no amino-acid change (histidine 428 retained).
Molecular consequence: synonymous variant.
Genome position (GRCh38, 1-based): chr2:233,289,934, C>T. VCF-style: chr2-233289934-C-T. GRCh37 (hg19) VCF-style: chr2-234198580-C-T.
Other names: c.1032C>T, p.His344= (NM_001190266.2); c.936C>T, p.His312= (NM_001190267.2); c.1335C>T, p.His445= (NM_001363742.2); c.1227C>T, p.His409= (NM_017974.4); c.795C>T, p.His265= (NM_198890.3).
Identifiers: ClinVar variation 3058740 (VCV003058740.2), dbSNP rs202029236, ClinGen allele CA2173959.

ClinVar aggregate classification (germline): Likely benign (0 of 4 stars; one submission).

Conditions:
ATG16L1-related disorder. Also called: ATG16L1-related condition.

Allele frequency attached by ClinVar (database versions not stated): ESP Exome Variant Server 0.00008; gnomAD 0.00009; TOPMed 0.00009.
gnomAD v4.1: 179 of 1,614,038 alleles (0.011%); highest among the groups gnomAD compares: Admixed American, 0.022%; no homozygotes.

Submission:

PreventionGenetics, part of Exact Sciences
Classification: Likely benign for ATG16L1-related condition. Last evaluated: 2019-02-19. Review status: no assertion criteria provided. Collection method: clinical testing. Allele origin: germline.
Comment: This variant is classified as likely benign based on ACMG/AMP sequence variant interpretation guidelines (Richards et al. 2015 PMID: 25741868, with internal and published modifications).